The following is an entry in ClinVar:

ClinVar aggregate classification (germline): Pathogenic (1 of 4 stars; one submission).

Conditions:
Telangiectasia, hereditary hemorrhagic, type 2 (HHT2). Also called: ACVRL1-Related Hereditary Hemorrhagic Telangiectasia; Telangiectasia, hereditary hemorrhagic, type II. Identifiers: Orphanet 774, MedGen C1838163, MONDO:0010880, OMIM 600376. Disease mechanism: loss of function.

Submission:

Labcorp Genetics (formerly Invitae), Labcorp
Classification: Pathogenic for Telangiectasia, hereditary hemorrhagic, type 2. Last evaluated: 2023-07-08. Review status: criteria provided, single submitter. Criteria: Invitae Variant Classification Sherloc (09022015). Collection method: clinical testing. Allele origin: germline.
Comment: For these reasons, this variant has been classified as Pathogenic. Algorithms developed to predict the effect of sequence changes on RNA splicing suggest that this variant may disrupt the consensus splice site. This variant has not been reported in the literature in individuals affected with ACVRL1-related conditions. This variant is not present in population databases (gnomAD no frequency). This sequence change creates a premature translational stop signal (p.Gln195*) in the ACVRL1 gene. It is expected to result in an absent or disrupted protein product. Loss-of-function variants in ACVRL1 are known to be pathogenic (PMID: 15879500).

Literature cited by the submitters: PubMed 15879500.

NM_000020.3(ACVRL1):c.583C>T (p.Gln195Ter)

Gene: ACVRL1 (activin A receptor like type 1; plus strand). Cytogenetic location: 12q13.13.
Variant type: single nucleotide variant.
Coding change: c.583C>T on transcript NM_000020.3 (MANE Select); coding-DNA position 583, C replaced by T.
Protein change: p.Gln195Ter; replaces glutamine 195 with a stop codon.
Molecular consequence: nonsense. On other transcripts: intron variant (6).
Genome position (GRCh38, 1-based): chr12:51,914,031, C>T. VCF-style: chr12-51914031-C-T. GRCh37 (hg19) VCF-style: chr12-52307815-C-T.
Other names: c.583C>T, p.Gln195Ter (NM_001077401.2, NM_001406487.1, NM_001406488.1 and 1 more transcripts); c.314-408C>T (NM_001406491.1, NM_001406490.1, NM_001406492.1 and 2 more transcripts); c.62-408C>T (NM_001406495.1); short protein forms Q195*.
Identifiers: ClinVar variation 2735868 (VCV002735868.3), dbSNP rs2540161639, ClinGen allele CA384899740.